The following is an entry in ClinVar:

NM_001012339.3(DNAJC21):c.1005_1007del (p.Lys337del)

Gene: DNAJC21 (DnaJ heat shock protein family (Hsp40) member C21; plus strand). Cytogenetic location: 5p13.2.
Variant type: Deletion.
Coding change: c.1005_1007del on transcript NM_001012339.3 (MANE Select); coding-DNA positions 1005 to 1007, 3 bases deleted (AAA; older notation c.1005_1007delAAA).
Protein change: p.Lys337del; deletes lysine 337.
Molecular consequence: inframe deletion.
Genome position (GRCh38, 1-based): chr5:34,944,888-34,944,890, AAA deleted. VCF-style (leftmost placement, unchanged base first): chr5-34944887-CAAA-C. GRCh37 (hg19) VCF-style: chr5-34944992-CAAA-C.
Other names: c.1005_1007del, p.Lys337del (NM_001348420.2, NM_194283.4); short protein forms K337del.
Identifiers: ClinVar variation 2088074 (VCV002088074.4), dbSNP rs1400672351, ClinGen allele CA558979489.

ClinVar aggregate classification (germline): Uncertain significance (1 of 4 stars; one submission).

Allele frequency attached by ClinVar (database versions not stated): gnomAD exomes below 0.00001; gnomAD 0.00001.

Submission:

Labcorp Genetics (formerly Invitae), Labcorp
Classification: Uncertain significance. Last evaluated: 2022-07-06. Review status: criteria provided, single submitter. Criteria: Invitae Variant Classification Sherloc (09022015). Collection method: clinical testing. Allele origin: germline.
Comment: In summary, the available evidence is currently insufficient to determine the role of this variant in disease. Therefore, it has been classified as a Variant of Uncertain Significance. Experimental studies and prediction algorithms are not available or were not evaluated, and the functional significance of this variant is currently unknown. This variant has not been reported in the literature in individuals affected with DNAJC21-related conditions. This variant is present in population databases (no rsID available, gnomAD 0.003%). This variant, c.1005_1007del, results in the deletion of 1 amino acid(s) of the DNAJC21 protein (p.Lys337del), but otherwise preserves the integrity of the reading frame.